The following is an entry in ClinVar:

NM_023067.4(FOXL2):c.656A>T (p.Gln219Leu)

Gene: FOXL2 (forkhead box L2; minus strand). Cytogenetic location: 3q22.3.
Variant type: single nucleotide variant.
Coding change: c.656A>T on transcript NM_023067.4 (MANE Select); coding-DNA position 656, A replaced by T.
Protein change: p.Gln219Leu; replaces glutamine 219 with leucine.
Molecular consequence: missense variant.
Genome position (GRCh38, 1-based): chr3:138,946,067, T>A on the plus strand (A>T on the coding strand, the complement: FOXL2 is on the minus strand). VCF-style: chr3-138946067-T-A. GRCh37 (hg19) VCF-style: chr3-138664909-T-A.
Other names: short protein forms Q219L.
Identifiers: ClinVar variation 369921 (VCV000369921.1), dbSNP rs1057516169, ClinGen allele CA10654873.

ClinVar aggregate classification (germline): Uncertain significance (1 of 4 stars; one submission).

Conditions:
Blepharophimosis, ptosis, and epicanthus inversus syndrome. Identifiers: Orphanet 126, MedGen C0220663, MONDO:0007201, OMIM 110100.

Submission:

Genomic Diagnostic Laboratory, Division of Genomic Diagnostics, Children's Hospital of Philadelphia
Classification: Uncertain significance for Blepharophimosis, ptosis, and epicanthus inversus syndrome. Last evaluated: 2016-11-03. Review status: criteria provided, single submitter. Criteria: DGD Variant Analysis Guidelines. Collection method: clinical testing. Allele origin: germline. Affected: yes. Observed: 1 variant allele.
Comment: Clinical Testing